The following is an entry in ClinVar:

NM_001987.5(ETV6):c.710T>C (p.Val237Ala)

Gene: ETV6 (ETS variant transcription factor 6; plus strand). Cytogenetic location: 12p13.2.
Variant type: single nucleotide variant.
Coding change: c.710T>C on transcript NM_001987.5 (MANE Select); coding-DNA position 710, T replaced by C.
Protein change: p.Val237Ala; replaces valine 237 with alanine.
Molecular consequence: missense variant.
Genome position (GRCh38, 1-based): chr12:11,869,670, T>C. VCF-style: chr12-11869670-T-C. GRCh37 (hg19) VCF-style: chr12-12022604-T-C.
Other names: c.707T>C, p.Val236Ala (NM_001413913.1); c.683T>C, p.Val228Ala (NM_001413914.1); c.446T>C, p.Val149Ala (NM_001413915.1); c.710T>C, p.Val237Ala (NM_001413916.1, NM_001413917.1); short protein forms V149A, V236A, V228A, V237A.
Identifiers: ClinVar variation 4020077 (VCV004020077.1).
Genomic context (GRCh38, chr12:11,869,670, plus strand): 5'-GAGCTCAGGGACCCAGGCCGCACCAGGAGAACAACCACCAGGAGTCCTACCCTCTGTCAG[T>C]GTCTCCCATGGAGAATAATCACTGCCCAGCGTCCTCCGAGTCCCACCCGAAGCCATCCAG-3'
Protein context (NP_001978.1, residues 227-247): NNHQESYPLS[Val237Ala]SPMENNHCPA

ClinVar aggregate classification (germline): Uncertain significance (1 of 4 stars; one submission).

Conditions:
Inborn genetic diseases. Identifiers: MedGen C0950123, MeSH D030342.

Submission:

Ambry Genetics
Classification: Uncertain significance for Inborn genetic diseases. Last evaluated: 2025-04-18. Review status: criteria provided, single submitter. Criteria: Ambry Variant Classification Scheme 2023. Collection method: clinical testing. Allele origin: germline.
Comment: The p.V237A variant (also known as c.710T>C), located in coding exon 5 of the ETV6 gene, results from a T to C substitution at nucleotide position 710. The valine at codon 237 is replaced by alanine, an amino acid with similar properties. This amino acid position is conserved. In addition, this alteration is predicted to be tolerated by in silico analysis. Based on the available evidence, the clinical significance of this variant remains unclear.